The following is an entry in ClinVar:

ClinVar aggregate classification (germline): Uncertain significance (1 of 4 stars; one submission).

gnomAD v4.1: 1 of 1,605,954 alleles (0.000062%); no homozygotes.

Submission:

Labcorp Genetics (formerly Invitae), Labcorp
Classification: Uncertain significance. Last evaluated: 2023-04-01. Review status: criteria provided, single submitter. Criteria: Invitae Variant Classification Sherloc (09022015). Collection method: clinical testing. Allele origin: germline.
Comment: In summary, the available evidence is currently insufficient to determine the role of this variant in disease. Therefore, it has been classified as a Variant of Uncertain Significance. Algorithms developed to predict the effect of missense changes on protein structure and function output the following: SIFT: "Not Available"; PolyPhen-2: "Benign"; Align-GVGD: "Not Available". The asparagine amino acid residue is found in multiple mammalian species, which suggests that this missense change does not adversely affect protein function. This variant has not been reported in the literature in individuals affected with ADAMTS10-related conditions. This variant is not present in population databases (gnomAD no frequency). This sequence change replaces serine, which is neutral and polar, with asparagine, which is neutral and polar, at codon 38 of the ADAMTS10 protein (p.Ser38Asn).

NM_030957.4(ADAMTS10):c.113G>A (p.Ser38Asn)

Gene: ADAMTS10 (ADAM metallopeptidase with thrombospondin type 1 motif 10; minus strand). Cytogenetic location: 19p13.2.
Variant type: single nucleotide variant.
Coding change: c.113G>A on transcript NM_030957.4 (MANE Select); coding-DNA position 113, G replaced by A.
Protein change: p.Ser38Asn; replaces serine 38 with asparagine.
Molecular consequence: missense variant.
Genome position (GRCh38, 1-based): chr19:8,605,334, C>T on the plus strand (G>A on the coding strand, the complement: ADAMTS10 is on the minus strand). VCF-style: chr19-8605334-C-T. GRCh37 (hg19) VCF-style: chr19-8670219-C-T.
Other names: short protein forms S38N.
Identifiers: ClinVar variation 2851397 (VCV002851397.3), dbSNP rs2042709681, ClinGen allele CA403757920.
Genomic context (GRCh38, chr19:8,605,334, plus strand): 5'-GGCGAGAAGGCCAGCAGTGCCCCGTTGTGGTCCACGCGGGTGGGGAAGGCGATCTCATAG[C>T]TCTCCAGACTGGACAGGAACTCATCTGTGGGTGAGGGTCAGAGGCCTGGGGTGGGCCCTG-3'
Protein context (NP_112219.3, residues 28-48): SQDEFLSSLE[Ser38Asn]YEIAFPTRVD